The following is an entry in ClinVar:

ClinVar aggregate classification (germline): Uncertain significance (1 of 4 stars; one submission).

Allele frequency attached by ClinVar (database versions not stated): gnomAD 0.00001; TOPMed 0.00001; gnomAD exomes 0.00002; ExAC 0.00006; ESP Exome Variant Server 0.00017.
gnomAD v4.1: 29 of 1,613,502 alleles (0.0018%); highest among the groups gnomAD compares: Non-Finnish European, 0.0021%; no homozygotes.

Submission:

Labcorp Genetics (formerly Invitae), Labcorp
Classification: Uncertain significance. Last evaluated: 2021-04-05. Review status: criteria provided, single submitter. Criteria: Invitae Variant Classification Sherloc (09022015). Collection method: clinical testing. Allele origin: germline.
Comment: This variant is present in population databases (rs369491444, ExAC 0.01%). This variant has not been reported in the literature in individuals with PCLO-related conditions. Algorithms developed to predict the effect of missense changes on protein structure and function output the following: SIFT: "Tolerated"; PolyPhen-2: "Not Available"; Align-GVGD: "Class C0". The tyrosine amino acid residue is found in multiple mammalian species, suggesting that this missense change does not adversely affect protein function. These predictions have not been confirmed by published functional studies and their clinical significance is uncertain. In summary, the available evidence is currently insufficient to determine the role of this variant in disease. Therefore, it has been classified as a Variant of Uncertain Significance. This sequence change replaces histidine with tyrosine at codon 148 of the PCLO protein (p.His148Tyr). The histidine residue is weakly conserved and there is a moderate physicochemical difference between histidine and tyrosine.

NM_033026.6(PCLO):c.442C>T (p.His148Tyr)

Gene: PCLO (piccolo presynaptic cytomatrix protein; minus strand). Cytogenetic location: 7q21.11.
Variant type: single nucleotide variant.
Coding change: c.442C>T on transcript NM_033026.6 (MANE Select); coding-DNA position 442, C replaced by T.
Protein change: p.His148Tyr; replaces histidine 148 with tyrosine.
Molecular consequence: missense variant.
Genome position (GRCh38, 1-based): chr7:83,156,199, G>A on the plus strand (C>T on the coding strand, the complement: PCLO is on the minus strand). VCF-style: chr7-83156199-G-A. GRCh37 (hg19) VCF-style: chr7-82785515-G-A.
Other names: c.442C>T, p.His148Tyr (NM_014510.3); short protein forms H148Y.
Identifiers: ClinVar variation 1437061 (VCV001437061.8), dbSNP rs369491444, ClinGen allele CA4321660.